The following is an entry in ClinVar:

NM_012434.5(SLC17A5):c.916del (p.Tyr306fs)

Gene: SLC17A5 (solute carrier family 17 member 5; minus strand). Cytogenetic location: 6q13.
Variant type: Deletion.
Coding change: c.916del on transcript NM_012434.5 (MANE Select); coding-DNA position 916, one base deleted (T; older notation c.916delT).
Protein change: p.Tyr306fs; shifts the reading frame from tyrosine 306.
Molecular consequence: frameshift variant. On other transcripts: intron variant (1).
Genome position (GRCh38, 1-based): chr6:73,621,866, A deleted on the plus strand (T on the coding strand, the reverse complement: SLC17A5 is on the minus strand); the first of 5 consecutive A bases (chr6:73,621,866-73,621,870); deleting any one gives the same sequence. VCF-style (leftmost placement, unchanged base first): chr6-73621865-TA-T. GRCh37 (hg19) VCF-style: chr6-74331588-TA-T.
Other names: c.685del, p.Tyr229fs (NM_001382629.1); c.916del, p.Tyr306fs (NM_001382630.1, NM_001382633.1); c.937del, p.Tyr313fs (NM_001382631.1); c.829del, p.Tyr277fs (NM_001382632.1); c.913del, p.Tyr305fs (NM_001382635.1); c.598del, p.Tyr200fs (NM_001382636.1); c.820-6419del (NM_001382634.1); short protein forms Y306fs, Y277fs, Y305fs, Y313fs, Y229fs, Y200fs.
Identifiers: ClinVar variation 1978583 (VCV001978583.4), dbSNP rs2533450349, ClinGen allele CA2580075762.

ClinVar aggregate classification (germline): Pathogenic (1 of 4 stars; one submission).

Conditions:
Salla disease (SD). Also called: Less Severe FSASD (Salla Disease); Sialuria, Finnish type; N-acetylneuraminic acid (NANA) storage disease (NSD); Infantile sialic acid storage disorder (ISSD). Identifiers: Orphanet 309334, Orphanet 834, MedGen C1096903, MONDO:0011449, OMIM 604369.

Submission:

Labcorp Genetics (formerly Invitae), Labcorp
Classification: Pathogenic for Salla disease. Last evaluated: 2022-01-12. Review status: criteria provided, single submitter. Criteria: Invitae Variant Classification Sherloc (09022015). Collection method: clinical testing. Allele origin: germline.
Comment: This sequence change creates a premature translational stop signal (p.Tyr306Ilefs*4) in the SLC17A5 gene. It is expected to result in an absent or disrupted protein product. Loss-of-function variants in SLC17A5 are known to be pathogenic (PMID: 10581036, 10947946, 15172001). This variant is not present in population databases (gnomAD no frequency). This variant has not been reported in the literature in individuals affected with SLC17A5-related conditions. For these reasons, this variant has been classified as Pathogenic.

Literature cited by the submitters: PubMed 10581036; PubMed 10947946; PubMed 15172001.